The following is an entry in ClinVar:

NM_001003800.2(BICD2):c.1672C>T (p.Arg558Cys)

Gene: BICD2 (BICD cargo adaptor 2; minus strand). Cytogenetic location: 9q22.31.
Variant type: single nucleotide variant.
Coding change: c.1672C>T on transcript NM_001003800.2 (MANE Select); coding-DNA position 1672, C replaced by T.
Protein change: p.Arg558Cys; replaces arginine 558 with cysteine.
Molecular consequence: missense variant.
Genome position (GRCh38, 1-based): chr9:92,718,973, G>A on the plus strand (C>T on the coding strand, the complement: BICD2 is on the minus strand). VCF-style: chr9-92718973-G-A. GRCh37 (hg19) VCF-style: chr9-95481255-G-A.
Other names: c.1672C>T, p.Arg558Cys (NM_015250.4); short protein forms R558C.
Identifiers: ClinVar variation 1013645 (VCV001013645.9), dbSNP rs1351684855, ClinGen allele CA374036405.
Genomic context (GRCh38, chr9:92,718,973, plus strand): 5'-GCGCCTCGGGGCTGGTGCGGCCCCCGGGACTGGTGCGGCCGGCCCCGCCCTGGCCCTCGC[G>A]GTAGTAGTCCAGCATGACACGGTTGGGTGTCTCATTGTTGCACATGCACACGTGGTGGTA-3'
Protein context (NP_001003800.1, residues 548-568): TPNRVMLDYY[Arg558Cys]EGQGGAGRTS

ClinVar aggregate classification (germline): Uncertain significance (1 of 4 stars; one submission).

Conditions:
Autosomal dominant childhood-onset proximal spinal muscular atrophy with contractures (SMALED2A). Also called: SPINAL MUSCULAR ATROPHY, LOWER EXTREMITY-PREDOMINANT, 2A, CHILDHOOD ONSET, AUTOSOMAL DOMINANT; Spinal muscular atrophy, lower extremity-predominant, 2A, autosomal dominant. Identifiers: Orphanet 363447, Orphanet 363454, MedGen C4747715, MONDO:0014121, OMIM 615290.

Allele frequency attached by ClinVar (database versions not stated): gnomAD exomes below 0.00001; TOPMed below 0.00001.
gnomAD v4.1: 5 of 1,610,684 alleles (0.00031%); highest among the groups gnomAD compares: African/African-American, 0.0013%; no homozygotes.

Submission:

Labcorp Genetics (formerly Invitae), Labcorp
Classification: Uncertain significance for Autosomal dominant childhood-onset proximal spinal muscular atrophy with contractures. Last evaluated: 2020-01-23. Review status: criteria provided, single submitter. Criteria: Invitae Variant Classification Sherloc (09022015). Collection method: clinical testing. Allele origin: germline.
Comment: This sequence change replaces arginine with cysteine at codon 558 of the BICD2 protein (p.Arg558Cys). The arginine residue is weakly conserved and there is a large physicochemical difference between arginine and cysteine. This variant is not present in population databases (ExAC no frequency). This variant has not been reported in the literature in individuals with BICD2-related conditions. Algorithms developed to predict the effect of missense changes on protein structure and function are either unavailable or do not agree on the potential impact of this missense change (SIFT: "Deleterious"; PolyPhen-2: "Probably Damaging"; Align-GVGD: "Class C0"). In summary, the available evidence is currently insufficient to determine the role of this variant in disease. Therefore, it has been classified as a Variant of Uncertain Significance.